The following is an entry in ClinVar:

NM_021147.5(CCNO):c.607C>G (p.Leu203Val)

Gene: CCNO (cyclin O; minus strand). Cytogenetic location: 5q11.2.
Variant type: single nucleotide variant.
Coding change: c.607C>G on transcript NM_021147.5 (MANE Select); coding-DNA position 607, C replaced by G.
Protein change: p.Leu203Val; replaces leucine 203 with valine.
Molecular consequence: missense variant. On other transcripts: non-coding transcript variant (3).
Genome position (GRCh38, 1-based): chr5:55,231,821, G>C on the plus strand (C>G on the coding strand, the complement: CCNO is on the minus strand). VCF-style: chr5-55231821-G-C. GRCh37 (hg19) VCF-style: chr5-54527649-G-C.
Other names: short protein forms L203V.
Identifiers: ClinVar variation 2388010 (VCV002388010.4), dbSNP rs764800405, ClinGen allele CA3266712.

ClinVar aggregate classification (germline): Uncertain significance. Review status: criteria provided, multiple submitters, no conflicts (2 of 4 stars). 2 submissions from 2 submitters: Uncertain significance (2). Last evaluated 2025-10-27.

Conditions:
Primary ciliary dyskinesia. Also called: Ciliary dyskinesia. Identifiers: Orphanet 244, MedGen C0008780, MONDO:0016575, HP:0012265.
Inborn genetic diseases. Identifiers: MedGen C0950123, MeSH D030342.

Allele frequency attached by ClinVar (database versions not stated): TOPMed 0.00003; gnomAD 0.00004.

Submissions (2):

Labcorp Genetics (formerly Invitae), Labcorp
Classification: Uncertain significance for Primary ciliary dyskinesia. Last evaluated: 2025-10-27. Review status: criteria provided, single submitter. Criteria: Invitae Variant Classification Sherloc (09022015). Collection method: clinical testing. Allele origin: germline.
Comment: This sequence change replaces leucine, which is neutral and non-polar, with valine, which is neutral and non-polar, at codon 203 of the CCNO protein (p.Leu203Val). This variant is present in population databases (rs764800405, gnomAD 0.004%). This variant has not been reported in the literature in individuals affected with CCNO-related conditions. ClinVar contains an entry for this variant (Variation ID: 2388010). Invitae Evidence Modeling of protein sequence and biophysical properties (such as structural, functional, and spatial information, amino acid conservation, physicochemical variation, residue mobility, and thermodynamic stability) indicates that this missense variant is not expected to disrupt CCNO protein function with a negative predictive value of 80%. In summary, the available evidence is currently insufficient to determine the role of this variant in disease. Therefore, it has been classified as a Variant of Uncertain Significance.

Ambry Genetics
Classification: Uncertain significance for Inborn genetic diseases. Last evaluated: 2025-08-03. Review status: criteria provided, single submitter. Criteria: Ambry Variant Classification Scheme 2023. Collection method: clinical testing. Allele origin: germline.